The following is an entry in ClinVar:

NM_004928.3(CFAP410):c.645C>T (p.Asn215=)

Gene: CFAP410 (cilia and flagella associated protein 410; minus strand). Cytogenetic location: 21q22.3.
Variant type: single nucleotide variant.
Coding change: c.645C>T on transcript NM_004928.3 (MANE Select); coding-DNA position 645, C replaced by T.
Protein change: p.Asn215=; no amino-acid change (asparagine 215 retained).
Molecular consequence: synonymous variant.
Genome position (GRCh38, 1-based): chr21:44,330,324, G>A on the plus strand (C>T on the coding strand, the complement: CFAP410 is on the minus strand). VCF-style: chr21-44330324-G-A. GRCh37 (hg19) VCF-style: chr21-45750207-G-A.
Other names: c.642C>T, p.Asn214= (NM_001271440.2); c.1002C>T, p.Asn334= (NM_001271441.2); c.519C>T, p.Asn173= (NM_001271442.1).
Identifiers: ClinVar variation 737140 (VCV000737140.13), dbSNP rs370295137, ClinGen allele CA10053496.

ClinVar aggregate classification (germline): Likely benign. Review status: criteria provided, multiple submitters, no conflicts (2 of 4 stars). 3 submissions from 3 submitters: Likely benign (2). 1 of the submissions does not count toward it. Last evaluated 2025-09-02.

Conditions:
CFAP410-related disorder. Also called: CFAP410-related condition.

Allele frequency attached by ClinVar (database versions not stated): ExAC 0.00006; gnomAD 0.00006; TOPMed 0.00006; ESP Exome Variant Server 0.00008.

Submissions (3):

Labcorp Genetics (formerly Invitae), Labcorp
Classification: Likely benign. Last evaluated: 2025-09-02. Review status: criteria provided, single submitter. Criteria: Invitae Variant Classification Sherloc (09022015). Collection method: clinical testing. Allele origin: germline.

Blueprint Genetics
Classification: Likely benign. Last evaluated: 2024-01-18. Review status: criteria provided, single submitter. Criteria: ACMG Guidelines, 2015. Collection method: clinical testing. Allele origin: germline.

PreventionGenetics, part of Exact Sciences
Classification: Likely benign for CFAP410-related condition. Last evaluated: 2023-03-21. Review status: no assertion criteria provided. Collection method: clinical testing. Allele origin: germline. Not counted in ClinVar's aggregate classification.
Comment: This variant is classified as likely benign based on ACMG/AMP sequence variant interpretation guidelines (Richards et al. 2015 PMID: 25741868, with internal and published modifications).